The following is an entry in ClinVar:

NM_014254.3(RXYLT1):c.615T>C (p.His205=)

Gene: RXYLT1 (ribitol xylosyltransferase 1; plus strand). Cytogenetic location: 12q14.2.
Variant type: single nucleotide variant.
Coding change: c.615T>C on transcript NM_014254.3 (MANE Select); coding-DNA position 615, T replaced by C.
Protein change: p.His205=; no amino-acid change (histidine 205 retained).
Molecular consequence: synonymous variant. On other transcripts: 5 prime UTR variant (1).
Genome position (GRCh38, 1-based): chr12:63,802,277, T>C. VCF-style: chr12-63802277-T-C. GRCh37 (hg19) VCF-style: chr12-64196057-T-C.
Other names: c.-166T>C (NM_001278237.2).
Identifiers: ClinVar variation 514586 (VCV000514586.21), dbSNP rs139272321, ClinGen allele CA6666138.

ClinVar aggregate classification (germline): Likely benign. Review status: criteria provided, multiple submitters, no conflicts (2 of 4 stars). 3 submissions from 3 submitters: Likely benign (3). Last evaluated 2026-01-20.

Allele frequency attached by ClinVar (database versions not stated): 1000 Genomes Project 30x 0.00016; 1000 Genomes Project 0.00020; ExAC 0.00026; gnomAD 0.00027; gnomAD exomes 0.00027 and 0.00055; TOPMed 0.00029; ESP Exome Variant Server 0.00031.
gnomAD v4.1: 834 of 1,614,090 alleles (0.052%); highest among the groups gnomAD compares: Non-Finnish European, 0.066%; 1 homozygote.

Submissions (3):

Labcorp Genetics (formerly Invitae), Labcorp
Classification: Likely benign. Last evaluated: 2026-01-20. Review status: criteria provided, single submitter. Criteria: Invitae Variant Classification Sherloc (09022015). Collection method: clinical testing. Allele origin: germline.

CeGaT Center for Human Genetics Tuebingen
Classification: Likely benign. Last evaluated: 2025-03-01. Review status: criteria provided, single submitter. Criteria: CeGaT Center For Human Genetics Tuebingen Variant Classification Criteria Version 2. Collection method: clinical testing. Allele origin: germline. Affected: yes. Observed: 1 variant allele.
Comment: RXYLT1: BP4, BP7

GeneDx
Classification: Likely benign. Last evaluated: 2020-11-23. Review status: criteria provided, single submitter. Criteria: GeneDx Variant Classification Process June 2021. Collection method: clinical testing. Allele origin: germline. Affected: yes.